The following is an entry in ClinVar:

NM_022552.5(DNMT3A):c.2479-1G>T

Gene: DNMT3A (DNA methyltransferase 3 alpha; minus strand). Cytogenetic location: 2p23.3.
Variant type: single nucleotide variant.
Coding change: c.2479-1G>T on transcript NM_022552.5 (MANE Select); the canonical splice acceptor site of the intron before coding-DNA position 2479, G replaced by T.
Molecular consequence: splice acceptor variant.
Genome position (GRCh38, 1-based): chr2:25,235,826, C>A on the plus strand (G>T on the coding strand, the complement: DNMT3A is on the minus strand). VCF-style: chr2-25235826-C-A. GRCh37 (hg19) VCF-style: chr2-25458695-C-A.
Other names: c.2479-1G>T (NM_175629.2); c.1912-1G>T (NM_153759.3); c.2023-1G>T (NM_001320893.1); c.1810-1G>T (NM_001375819.1).
Identifiers: ClinVar variation 4737480 (VCV004737480.1).

ClinVar aggregate classification (germline): Likely pathogenic (1 of 4 stars; one submission).

Conditions:
Tatton-Brown-Rahman overgrowth syndrome. Also called: Tall stature-intellectual disability-facial dysmorphism syndrome; Tatton-Brown-Rahman syndrome. Identifiers: Orphanet 404443, MedGen C4014545, MONDO:0014382, OMIM 615879.

Submission:

Labcorp Genetics (formerly Invitae), Labcorp
Classification: Likely pathogenic for Tatton-Brown-Rahman overgrowth syndrome. Last evaluated: 2025-03-10. Review status: criteria provided, single submitter. Criteria: Invitae Variant Classification Sherloc (09022015). Collection method: clinical testing. Allele origin: germline.
Comment: This sequence change affects an acceptor splice site in intron 21 of the DNMT3A gene. It is expected to disrupt RNA splicing. Variants that disrupt the donor or acceptor splice site typically lead to a loss of protein function (PMID: 16199547), and loss-of-function variants in DNMT3A are known to be pathogenic (PMID: 24614070). This variant is not present in population databases (gnomAD no frequency). This variant has not been reported in the literature in individuals affected with DNMT3A-related conditions. Algorithms developed to predict the effect of sequence changes on RNA splicing suggest that this variant may disrupt the consensus splice site. In summary, the currently available evidence indicates that the variant is pathogenic, but additional data are needed to prove that conclusively. Therefore, this variant has been classified as Likely Pathogenic.

Literature cited by the submitters: PubMed 16199547; PubMed 24614070.